The following is an entry in ClinVar:

NM_001267550.2(TTN):c.70581_70582inv (p.Lys23528Ter)

Genes: TTN (titin; minus strand), TTN-AS1 (TTN antisense RNA 1; plus strand), LOC126806422 (BRD4-independent group 4 enhancer GRCh37_chr2:179440205-179441404; plus strand). Cytogenetic location: 2q31.2.
Variant type: Inversion.
Coding change: c.70581_70582inv on transcript NM_001267550.2 (MANE Select).
Protein change: p.Lys23528Ter; replaces lysine 23528 with a stop codon.
Molecular consequence: nonsense.
Genome position: GRCh38 VCF-style: chr2-178575550-TT-AA. GRCh37 (hg19) VCF-style: chr2-179440277-TT-AA.
Other names: c.65658_65659inv, p.Lys21887Ter (NM_001256850.1); c.43386_43387inv, p.Lys14463Ter (NM_003319.4); c.62877_62878inv, p.Lys20960Ter (NM_133378.4); c.43761_43762inv, p.Lys14588Ter (NM_133432.3); c.43962_43963inv, p.Lys14655Ter (NM_133437.4); c.70581_70582delinsTT (NM_001267550.2); short protein forms K14463*, K14588*, K14655*, K20960*, K21887*, K23528*.
Identifiers: ClinVar variation 5037871 (VCV005037871.1).

ClinVar aggregate classification (germline): Likely pathogenic (1 of 4 stars; one submission).

Conditions:
Cardiovascular phenotype. Identifiers: MedGen CN230736.

Submission:

Molecular Diagnostic Laboratory for Inherited Cardiovascular Disease, Montreal Heart Institute
Classification: Likely pathogenic for Cardiovascular phenotype. Last evaluated: 2026-04-27. Review status: criteria provided, single submitter. Criteria: ACMG Guidelines, 2015. Collection method: clinical testing. Allele origin: germline. Affected: yes.
Comment: PVS1, PM2